The following is an entry in ClinVar:

NM_017882.3(CLN6):c.224C>T (p.Pro75Leu)

Gene: CLN6 (CLN6 transmembrane ER protein; minus strand). Cytogenetic location: 15q23.
Variant type: single nucleotide variant.
Coding change: c.224C>T on transcript NM_017882.3 (MANE Select); coding-DNA position 224, C replaced by T.
Protein change: p.Pro75Leu; replaces proline 75 with leucine.
Molecular consequence: missense variant.
Genome position (GRCh38, 1-based): chr15:68,214,363, G>A on the plus strand (C>T on the coding strand, the complement: CLN6 is on the minus strand). VCF-style: chr15-68214363-G-A. GRCh37 (hg19) VCF-style: chr15-68506701-G-A.
Other names: short protein forms P75L.
Identifiers: ClinVar variation 658242 (VCV000658242.9), dbSNP rs1595819607, ClinGen allele CA392974465.

ClinVar aggregate classification (germline): Uncertain significance (1 of 4 stars; one submission).

Conditions:
Neuronal ceroid lipofuscinosis. Also called: Neuronal Ceroid Lipofuscinoses. Identifiers: Orphanet 216, Orphanet 79263, MedGen C0027877, MONDO:0016295. Disease mechanism: loss of function.

Submission:

Labcorp Genetics (formerly Invitae), Labcorp
Classification: Uncertain significance for Neuronal ceroid lipofuscinosis. Last evaluated: 2018-11-06. Review status: criteria provided, single submitter. Criteria: Invitae Variant Classification Sherloc (09022015). Collection method: clinical testing. Allele origin: germline.
Comment: This variant has not been reported in the literature in individuals with CLN6-related disease. In summary, the available evidence is currently insufficient to determine the role of this variant in disease. Therefore, it has been classified as a Variant of Uncertain Significance. Algorithms developed to predict the effect of missense changes on protein structure and function are either unavailable or do not agree on the potential impact of this missense change (SIFT: "Tolerated"; PolyPhen-2: "Probably Damaging"; Align-GVGD: "Class C0"). This variant is not present in population databases (ExAC no frequency). This sequence change replaces proline with leucine at codon 75 of the CLN6 protein (p.Pro75Leu). The proline residue is highly conserved and there is a moderate physicochemical difference between proline and leucine.